The following is an entry in ClinVar:

NM_000455.5(STK11):c.360A>G (p.Glu120=)

Gene: STK11 (serine/threonine kinase 11; plus strand). Cytogenetic location: 19p13.3.
Variant type: single nucleotide variant.
Coding change: c.360A>G on transcript NM_000455.5 (MANE Select); coding-DNA position 360, A replaced by G.
Protein change: p.Glu120=; no amino-acid change (glutamic acid 120 retained).
Molecular consequence: synonymous variant. On other transcripts: non-coding transcript variant (1).
Genome position (GRCh38, 1-based): chr19:1,218,486, A>G. VCF-style: chr19-1218486-A-G. GRCh37 (hg19) VCF-style: chr19-1218485-A-G.
Other names: c.360A>G, p.Glu120= (NM_001407255.1).
Identifiers: ClinVar variation 1733189 (VCV001733189.3), dbSNP rs2080758985, ClinGen allele CA504706580.
Genomic context (GRCh38, chr19:1,218,486, plus strand): 5'-ACTACTGAGGAGGTTACGGCACAAAAATGTCATCCAGCTGGTGGATGTGTTATACAACGA[A>G]GAGAAGCAGAAAATATATCCTTTCCGGTGTTGGGACCGCGGGGCCTCCGTGGGAGGGGCT-3'
Protein context (NP_000446.1, residues 110-130): VIQLVDVLYN[Glu120=]EKQKMYMVME

ClinVar aggregate classification (germline): Benign/Likely benign. Review status: criteria provided, multiple submitters, no conflicts (2 of 4 stars). 2 submissions from 2 submitters: Benign (1); Likely benign (1). Last evaluated 2025-03-25.

Conditions:
Hereditary cancer-predisposing syndrome. Also called: Neoplastic Syndromes, Hereditary; Tumor predisposition; Hereditary Cancer Syndrome; Hereditary neoplastic syndrome. Identifiers: Orphanet 140162, MedGen C0027672, MeSH D009386, MONDO:0015356.
Peutz-Jeghers syndrome (PJS). Also called: POLYPOSIS, HAMARTOMATOUS INTESTINAL; POLYPS-AND-SPOTS SYNDROME; Peutz-Jeghers polyposis; Periorificial lentiginosis syndrome. Identifiers: Orphanet 2869, MedGen C0031269, MeSH D010580, MONDO:0008280, OMIM 175200.

Allele frequency attached by ClinVar (database versions not stated): TOPMed below 0.00001.

Submissions (2):

Myriad Genetics, Inc.
Classification: Benign for Peutz-Jeghers syndrome. Last evaluated: 2025-03-25. Review status: criteria provided, single submitter. Criteria: Myriad Autosomal Dominant, Autosomal Recessive and X-Linked Classification Criteria (2023). Collection method: clinical testing. Allele origin: unknown.
Comment: This variant is considered benign. This variant is a silent/synonymous amino acid change and it is not expected to impact splicing.

Ambry Genetics
Classification: Likely benign for Hereditary cancer-predisposing syndrome. Last evaluated: 2021-01-29. Review status: criteria provided, single submitter. Criteria: Ambry Variant Classification Scheme 2023. Collection method: clinical testing. Allele origin: germline.